The following is an entry in ClinVar:

NM_001135649.3(FOXI3):c.421A>G (p.Met141Val)

Gene: FOXI3 (forkhead box I3; minus strand). Cytogenetic location: 2p11.2.
Variant type: single nucleotide variant.
Coding change: c.421A>G on transcript NM_001135649.3 (MANE Select); coding-DNA position 421, A replaced by G.
Protein change: p.Met141Val; replaces methionine 141 with valine.
Molecular consequence: missense variant.
Genome position (GRCh38, 1-based): chr2:88,452,115, T>C on the plus strand (A>G on the coding strand, the complement: FOXI3 is on the minus strand). VCF-style: chr2-88452115-T-C. GRCh37 (hg19) VCF-style: chr2-88751634-T-C.
Other names: short protein forms M141V.
Identifiers: ClinVar variation 2026574 (VCV002026574.11), dbSNP rs1308262514, ClinGen allele CA347766388.
Genomic context (GRCh38, chr2:88,452,115, plus strand): 5'-CGCTCTGAATGGCCATGGCGATGAGCGCCGAATACGAGTAGGGCGGCCGCACCATCTTCA[T>C]CAGGTCCTCGCGGCTGGCCATGGACAGCCAGCCCAGCTCCCCGGGCCCCGCGGGCGCGGC-3'
Protein context (NP_001129121.1, residues 131-151): WLSMASREDL[Met141Val]KMVRPPYSYS

ClinVar aggregate classification (germline): Uncertain significance. Review status: criteria provided, multiple submitters, no conflicts (2 of 4 stars). 2 submissions from 2 submitters: Uncertain significance (2). Last evaluated 2025-09-01.

Allele frequency attached by ClinVar (database versions not stated): gnomAD exomes below 0.00001.

Submissions (2):

CeGaT Center for Human Genetics Tuebingen
Classification: Uncertain significance. Last evaluated: 2025-09-01. Review status: criteria provided, single submitter. Criteria: CeGaT Center For Human Genetics Tuebingen Variant Classification Criteria Version 2. Collection method: clinical testing. Allele origin: germline. Affected: yes. Observed: 1 variant allele.
Comment: FOXI3: PM2, PP3

Labcorp Genetics (formerly Invitae), Labcorp
Classification: Uncertain significance. Last evaluated: 2021-12-02. Review status: criteria provided, single submitter. Criteria: Invitae Variant Classification Sherloc (09022015). Collection method: clinical testing. Allele origin: germline.
Comment: In summary, the available evidence is currently insufficient to determine the role of this variant in disease. Therefore, it has been classified as a Variant of Uncertain Significance. Experimental studies and prediction algorithms are not available or were not evaluated, and the functional significance of this variant is currently unknown. This variant has not been reported in the literature in individuals affected with FOXI3-related conditions. This variant is present in population databases (no rsID available, gnomAD 0.002%). This sequence change replaces methionine, which is neutral and non-polar, with valine, which is neutral and non-polar, at codon 141 of the FOXI3 protein (p.Met141Val).